The following is an entry in ClinVar:

ClinVar aggregate classification (germline): Uncertain significance. Review status: criteria provided, multiple submitters, no conflicts (2 of 4 stars). 2 submissions from 2 submitters: Uncertain significance (2). Last evaluated 2024-09-15.

Conditions:
Retinitis pigmentosa 17 (RP17). Identifiers: Orphanet 791, MedGen C1833245, MONDO:0010945, OMIM 600852.

gnomAD v4.1: 6 of 1,614,128 alleles (0.00037%); highest among the groups gnomAD compares: Non-Finnish European, 0.00051%; no homozygotes.

Submissions (2):

Labcorp Genetics (formerly Invitae), Labcorp
Classification: Uncertain significance. Last evaluated: 2024-09-15. Review status: criteria provided, single submitter. Criteria: Invitae Variant Classification Sherloc (09022015). Collection method: clinical testing. Allele origin: germline.
Comment: This sequence change replaces glycine, which is neutral and non-polar, with glutamic acid, which is acidic and polar, at codon 87 of the CA4 protein (p.Gly87Glu). This variant is not present in population databases (gnomAD no frequency). This variant has not been reported in the literature in individuals affected with CA4-related conditions. Invitae Evidence Modeling of protein sequence and biophysical properties (such as structural, functional, and spatial information, amino acid conservation, physicochemical variation, residue mobility, and thermodynamic stability) has been performed for this missense variant. However, the output from this modeling did not meet the statistical confidence thresholds required to predict the impact of this variant on CA4 protein function. In summary, the available evidence is currently insufficient to determine the role of this variant in disease. Therefore, it has been classified as a Variant of Uncertain Significance.

Department of Pathology and Laboratory Medicine, Sinai Health System
Classification: Uncertain significance for retinitis pigmentosa 17. Last evaluated: 2021-09-28. Review status: criteria provided, single submitter. Criteria: ACMG Guidelines, 2015. Collection method: research. Allele origin: germline.

NM_000717.5(CA4):c.260G>A (p.Gly87Glu)

Gene: CA4 (carbonic anhydrase 4; plus strand). Cytogenetic location: 17q23.1.
Variant type: single nucleotide variant.
Coding change: c.260G>A on transcript NM_000717.5 (MANE Select); coding-DNA position 260, G replaced by A.
Protein change: p.Gly87Glu; replaces glycine 87 with glutamic acid.
Molecular consequence: missense variant. On other transcripts: non-coding transcript variant (1).
Genome position (GRCh38, 1-based): chr17:60,156,707, G>A. VCF-style: chr17-60156707-G-A. GRCh37 (hg19) VCF-style: chr17-58234068-G-A.
Other names: short protein forms G87E.
Identifiers: ClinVar variation 3671603 (VCV003671603.3).